The following is an entry in ClinVar:

ClinVar aggregate classification (germline): Pathogenic/Likely pathogenic. Review status: criteria provided, multiple submitters, no conflicts (2 of 4 stars). 2 submissions from 2 submitters: Pathogenic (1); Likely pathogenic (1). Last evaluated 2023-08-03.

Conditions:
Deficiency of steroid 17-alpha-monooxygenase. Also called: ADRENAL HYPERPLASIA V; Congenital adrenal hyperplasia due to 17-alpha-hydroxylase deficiency; Congenital adrenal hyperplasia type 5; 17-ALPHA-HYDROXYLASE DEFICIENCY; 17-alpha-hydroxylase/17,20-lyase deficiency. Identifiers: Orphanet 90793, MedGen C0268285, MONDO:0008730, OMIM 202110.

gnomAD v4.1: 2 of 1,613,194 alleles (0.00012%); highest among the groups gnomAD compares: South Asian, 0.0022%; no homozygotes.

Submissions (2):

Labcorp Genetics (formerly Invitae), Labcorp
Classification: Pathogenic. Last evaluated: 2023-08-03. Review status: criteria provided, single submitter. Criteria: Invitae Variant Classification Sherloc (09022015). Collection method: clinical testing. Allele origin: germline.
Comment: This sequence change replaces alanine, which is neutral and non-polar, with glutamic acid, which is acidic and polar, at codon 174 of the CYP17A1 protein (p.Ala174Glu). For these reasons, this variant has been classified as Pathogenic. Algorithms developed to predict the effect of sequence changes on RNA splicing suggest that this variant may create or strengthen a splice site. Experimental studies have shown that this missense change affects CYP17A1 function (PMID: 19454579). Advanced modeling of protein sequence and biophysical properties (such as structural, functional, and spatial information, amino acid conservation, physicochemical variation, residue mobility, and thermodynamic stability) performed at Invitae indicates that this missense variant is expected to disrupt CYP17A1 protein function. ClinVar contains an entry for this variant (Variation ID: 1456799). This missense change has been observed in individual(s) with 17alpha-hydroxylase deficiency (PMID: 19454579, 24140098). In at least one individual the data is consistent with being in trans (on the opposite chromosome) from a pathogenic variant. This variant is not present in population databases (gnomAD no frequency).

Women's Health and Genetics/Laboratory Corporation of America, LabCorp
Classification: Likely pathogenic for Deficiency of steroid 17-alpha-monooxygenase. Last evaluated: 2023-06-15. Review status: criteria provided, single submitter. Criteria: LabCorp Variant Classification Summary - May 2015. Collection method: clinical testing. Allele origin: germline.
Comment: Variant summary: CYP17A1 c.521C>A (p.Ala174Glu) results in a non-conservative amino acid change in the encoded protein sequence. Four of five in-silico tools predict a damaging effect of the variant on protein function. The variant was absent in 251388 control chromosomes. c.521C>A has been reported in the literature in compund heterozygous individuals affected with Isolated 17,20 Lyase Deficiency (examples: Dhir_2009, Kim_2014). These data indicate that the variant may be associated with disease. At least one publication reports experimental evidence evaluating an impact on protein function. The most pronounced variant effect results in <10% of normal CYP17A1 protein activity (example: Dhir_2009). The following publications have been ascertained in the context of this evaluation (PMID: 19454579, 24140098). One clinical diagnostic laboratory has submitted clinical-significance assessments for this variant to ClinVar after 2014, classifying the variant as pathogenic. Based on the evidence outlined above, the variant was classified as likely pathogenic.

Literature cited by the submitters: PubMed 19454579 (cited by Labcorp Genetics (formerly Invitae), Labcorp and Women's Health and Genetics/Laboratory Corporation of America, LabCorp); PubMed 24140098 (cited by Labcorp Genetics (formerly Invitae), Labcorp and Women's Health and Genetics/Laboratory Corporation of America, LabCorp).

NM_000102.4(CYP17A1):c.521C>A (p.Ala174Glu)

Gene: CYP17A1 (cytochrome P450 family 17 subfamily A member 1; minus strand). Cytogenetic location: 10q24.32.
Variant type: single nucleotide variant.
Coding change: c.521C>A on transcript NM_000102.4 (MANE Select); coding-DNA position 521, C replaced by A.
Protein change: p.Ala174Glu; replaces alanine 174 with glutamic acid.
Molecular consequence: missense variant.
Genome position (GRCh38, 1-based): chr10:102,834,930, G>T on the plus strand (C>A on the coding strand, the complement: CYP17A1 is on the minus strand). VCF-style: chr10-102834930-G-T. GRCh37 (hg19) VCF-style: chr10-104594687-G-T.
Other names: c.521C>A (NM_000102.3); short protein forms A174E.
Identifiers: ClinVar variation 1456799 (VCV001456799.6), dbSNP rs752540777, ClinGen allele CA377940043.
Genomic context (GRCh38, chr10:102,834,930, plus strand): 5'-TCAGGGTCCCCATTCTTGTAGGAGGTATTGAAGCAGATCAAGGAGATGACATTGGTTACC[G>T]CCACGAAGACAGGAAAGGAGATGTCTATGGACTGTCCGTTGTGGGTGGCCAGCATATCAC-3'
Protein context (NP_000093.1, residues 164-184): SIDISFPVFV[Ala174Glu]VTNVISLICF